The following is an entry in ClinVar:

NM_017654.4(SAMD9):c.1868C>A (p.Ser623Tyr)

Gene: SAMD9 (sterile alpha motif domain containing 9; minus strand). Cytogenetic location: 7q21.2.
Variant type: single nucleotide variant.
Coding change: c.1868C>A on transcript NM_017654.4 (MANE Select); coding-DNA position 1868, C replaced by A.
Protein change: p.Ser623Tyr; replaces serine 623 with tyrosine.
Molecular consequence: missense variant.
Genome position (GRCh38, 1-based): chr7:93,104,230, G>T on the plus strand (C>A on the coding strand, the complement: SAMD9 is on the minus strand). VCF-style: chr7-93104230-G-T. GRCh37 (hg19) VCF-style: chr7-92733543-G-T.
Other names: c.1868C>A, p.Ser623Tyr (NM_001193307.2); short protein forms S623Y.
Identifiers: ClinVar variation 4802484 (VCV004802484.1).

ClinVar aggregate classification (germline): Uncertain significance (1 of 4 stars; one submission).

Submission:

Labcorp Genetics (formerly Invitae), Labcorp
Classification: Uncertain significance. Last evaluated: 2025-03-22. Review status: criteria provided, single submitter. Criteria: Invitae Variant Classification Sherloc (09022015). Collection method: clinical testing. Allele origin: germline.
Comment: This sequence change replaces serine, which is neutral and polar, with tyrosine, which is neutral and polar, at codon 623 of the SAMD9 protein (p.Ser623Tyr). This variant is not present in population databases (gnomAD no frequency). This variant has not been reported in the literature in individuals affected with SAMD9-related conditions. Invitae Evidence Modeling of protein sequence and biophysical properties (such as structural, functional, and spatial information, amino acid conservation, physicochemical variation, residue mobility, and thermodynamic stability) has been performed for this missense variant. However, the output from this modeling did not meet the statistical confidence thresholds required to predict the impact of this variant on SAMD9 protein function. In summary, the available evidence is currently insufficient to determine the role of this variant in disease. Therefore, it has been classified as a Variant of Uncertain Significance.